The following is an entry in ClinVar:

ClinVar aggregate classification (germline): Pathogenic (1 of 4 stars; one submission).

Conditions:
Hyper-IgM syndrome type 1. Also called: Hyper-IgM Immunodeficiency Syndrome, Type 1; CD40 Ligand Deficiency; X-linked hyper-IgM syndrome; Immunodeficiency, X-linked, with hyper-IgM. Identifiers: Orphanet 101088, MedGen C0398689, MONDO:0010626, OMIM 308230.

Submission:

Labcorp Genetics (formerly Invitae), Labcorp
Classification: Pathogenic for Hyper-IgM syndrome type 1. Last evaluated: 2022-12-01. Review status: criteria provided, single submitter. Criteria: Invitae Variant Classification Sherloc (09022015). Collection method: clinical testing. Allele origin: germline.
Comment: For these reasons, this variant has been classified as Pathogenic. Algorithms developed to predict the effect of sequence changes on RNA splicing suggest that this variant may disrupt the consensus splice site. Disruption of this splice site has been observed in individuals with hyper IgM syndrome (PMID: 15358621, 19575287, 31117086). This variant is present in population databases (rs144855738, gnomAD 0.003%). This sequence change affects a donor splice site in intron 1 of the CD40LG gene. It is expected to disrupt RNA splicing. Variants that disrupt the donor or acceptor splice site typically lead to a loss of protein function (PMID: 16199547), and loss-of-function variants in CD40LG are known to be pathogenic (PMID: 15319456).

Literature cited by the submitters: PubMed 15358621; PubMed 19575287; PubMed 31117086; PubMed 16199547; PubMed 15319456.

NM_000074.3(CD40LG):c.156+1G>A

Gene: CD40LG (CD40 ligand; plus strand). Cytogenetic location: Xq26.3.
Variant type: single nucleotide variant.
Coding change: c.156+1G>A on transcript NM_000074.3 (MANE Select); the canonical splice donor site of the intron after coding-DNA position 156, G replaced by A.
Molecular consequence: splice donor variant.
Genome position (GRCh38, 1-based): chrX:136,648,405, G>A. VCF-style: chrX-136648405-G-A. GRCh37 (hg19) VCF-style: chrX-135730564-G-A.
Identifiers: ClinVar variation 2138725 (VCV002138725.4), dbSNP rs144855738, ClinGen allele CA336266056.